The following is an entry in ClinVar:

NM_001130438.3(SPTAN1):c.6069+7C>T

Gene: SPTAN1 (spectrin alpha, non-erythrocytic 1; plus strand). Cytogenetic location: 9q34.11.
Variant type: single nucleotide variant.
Coding change: c.6069+7C>T on transcript NM_001130438.3 (MANE Select); 7 bases into the intron after coding-DNA position 6069, C replaced by T.
Molecular consequence: intron variant.
Genome position (GRCh38, 1-based): chr9:128,625,186, C>T. VCF-style: chr9-128625186-C-T. GRCh37 (hg19) VCF-style: chr9-131387465-C-T.
Other names: c.6069+7C>T (NM_001363759.2); c.6054+7C>T (NM_003127.4); c.6009+7C>T (NM_001363765.2); c.5994+7C>T (NM_001195532.2).
Identifiers: ClinVar variation 507660 (VCV000507660.10), dbSNP rs1554766358, ClinGen allele CA658797286.

ClinVar aggregate classification (germline): Likely benign. Review status: criteria provided, multiple submitters, no conflicts (2 of 4 stars). 2 submissions from 2 submitters: Likely benign (2). Last evaluated 2025-10-13.

Conditions:
Early-infantile DEE. Also called: Ohtahara syndrome; Early infantile epileptic encephalopathy; Early infantile epileptic encephalopathy with suppression bursts. Identifiers: Orphanet 1934, MedGen C0393706, MONDO:0800491.

gnomAD v4.1: 7 of 1,613,956 alleles (0.00043%); highest among the groups gnomAD compares: Non-Finnish European, 0.00059%; no homozygotes.

Submissions (2):

Labcorp Genetics (formerly Invitae), Labcorp
Classification: Likely benign for Early-infantile DEE. Last evaluated: 2025-10-13. Review status: criteria provided, single submitter. Criteria: Invitae Variant Classification Sherloc (09022015). Collection method: clinical testing. Allele origin: germline.

GeneDx
Classification: Likely benign. Last evaluated: 2017-03-02. Review status: criteria provided, single submitter. Criteria: GeneDx Variant Classification (06012015). Collection method: clinical testing. Allele origin: germline. Affected: yes.
Comment: This variant is considered likely benign or benign based on one or more of the following criteria: it is a conservative change, it occurs at a poorly conserved position in the protein, it is predicted to be benign by multiple in silico algorithms, and/or has population frequency not consistent with disease.